The following is an entry in ClinVar:

NM_004370.6(COL12A1):c.1732G>T (p.Asp578Tyr)

Gene: COL12A1 (collagen type XII alpha 1 chain; minus strand). Cytogenetic location: 6q13.
Variant type: single nucleotide variant.
Coding change: c.1732G>T on transcript NM_004370.6 (MANE Select); coding-DNA position 1732, G replaced by T.
Protein change: p.Asp578Tyr; replaces aspartic acid 578 with tyrosine.
Molecular consequence: missense variant. On other transcripts: intron variant (1).
Genome position (GRCh38, 1-based): chr6:75,183,209, C>A on the plus strand (G>T on the coding strand, the complement: COL12A1 is on the minus strand). VCF-style: chr6-75183209-C-A. GRCh37 (hg19) VCF-style: chr6-75892925-C-A.
Other names: c.73+19511G>T (NM_080645.3); short protein forms D578Y.
Identifiers: ClinVar variation 1364035 (VCV001364035.8), dbSNP rs2149465694, ClinGen allele CA364768730.

ClinVar aggregate classification (germline): Uncertain significance (1 of 4 stars; one submission).

Conditions:
Ullrich congenital muscular dystrophy 2 (UCMD2). Identifiers: Orphanet 75840, MedGen C4225314, MONDO:0014654, OMIM 616470.
Bethlem myopathy 2 (BTHLM2). Identifiers: Orphanet 536516, Orphanet 610, MedGen C4225313, MONDO:0034022, OMIM 616471.

Submission:

Labcorp Genetics (formerly Invitae), Labcorp
Classification: Uncertain significance for Bethlem myopathy 2; Ullrich congenital muscular dystrophy 2. Last evaluated: 2021-04-27. Review status: criteria provided, single submitter. Criteria: Invitae Variant Classification Sherloc (09022015). Collection method: clinical testing. Allele origin: germline.
Comment: In summary, the available evidence is currently insufficient to determine the role of this variant in disease. Therefore, it has been classified as a Variant of Uncertain Significance. Algorithms developed to predict the effect of sequence changes on RNA splicing suggest that this variant may create or strengthen a splice site, but this prediction has not been confirmed by published transcriptional studies. Algorithms developed to predict the effect of missense changes on protein structure and function are either unavailable or do not agree on the potential impact of this missense change (SIFT: "Deleterious"; PolyPhen-2: "Probably Damaging"; Align-GVGD: "Class C0"). This variant has not been reported in the literature in individuals with COL12A1-related conditions. This variant is not present in population databases (ExAC no frequency). This sequence change replaces aspartic acid with tyrosine at codon 578 of the COL12A1 protein (p.Asp578Tyr). The aspartic acid residue is moderately conserved and there is a large physicochemical difference between aspartic acid and tyrosine.